The following is an entry in ClinVar:

NM_001365276.2(TNXB):c.3704G>A (p.Arg1235Gln)

Gene: TNXB (tenascin XB; minus strand). Cytogenetic location: 6p21.33.
Variant type: single nucleotide variant.
Coding change: c.3704G>A on transcript NM_001365276.2 (MANE Select); coding-DNA position 3704, G replaced by A.
Protein change: p.Arg1235Gln; replaces arginine 1235 with glutamine.
Molecular consequence: missense variant.
Genome position (GRCh38, 1-based): chr6:32,082,068, C>T on the plus strand (G>A on the coding strand, the complement: TNXB is on the minus strand). VCF-style: chr6-32082068-C-T. GRCh37 (hg19) VCF-style: chr6-32049845-C-T.
Other names: c.3704G>A, p.Arg1235Gln (NM_019105.8); short protein forms R1235Q.
Identifiers: ClinVar variation 2565711 (VCV002565711.3), dbSNP rs899663568, ClinGen allele CA136896690.

ClinVar aggregate classification (germline): Uncertain significance (1 of 4 stars; one submission).

Conditions:
Cardiovascular phenotype. Identifiers: MedGen CN230736.

Allele frequency attached by ClinVar (database versions not stated): gnomAD exomes 0.00002.
gnomAD v4.1: 24 of 1,607,882 alleles (0.0015%); highest among the groups gnomAD compares: East Asian, 0.0022%; 1 homozygote.

Submission:

Ambry Genetics
Classification: Uncertain significance for Cardiovascular phenotype. Last evaluated: 2025-06-10. Review status: criteria provided, single submitter. Criteria: Ambry Variant Classification Scheme 2023. Collection method: clinical testing. Allele origin: germline.
Comment: The p.R1235Q variant (also known as c.3704G>A), located in coding exon 8 of the TNXB gene, results from a G to A substitution at nucleotide position 3704. The arginine at codon 1235 is replaced by glutamine, an amino acid with highly similar properties. This amino acid position is conserved. In addition, this alteration is predicted to be tolerated by in silico analysis. Since supporting evidence is limited at this time, the clinical significance of this alteration remains unclear.